The following is an entry in ClinVar:

NM_002941.4(ROBO1):c.3875+3_3875+4delinsCC

Gene: ROBO1 (roundabout guidance receptor 1; minus strand). Cytogenetic location: 3p12.3.
Variant type: Indel.
Coding change: c.3875+3_3875+4delinsCC on transcript NM_002941.4 (MANE Select); bases 3 to 4 of the intron after coding-DNA position 3875, AT replaced by CC.
Molecular consequence: intron variant.
Genome position (GRCh38, 1-based): chr3:78,627,317-78,627,318, AT replaced by GG on the plus strand (AT replaced by CC on the coding strand, the reverse complement: ROBO1 is on the minus strand). VCF-style: chr3-78627317-AT-GG. GRCh37 (hg19) VCF-style: chr3-78676467-AT-GG.
Other names: c.3575+3_3575+4delinsCC (NM_001145845.2); c.3740+3_3740+4delinsCC (NM_133631.4).
Identifiers: ClinVar variation 2017657 (VCV002017657.4), dbSNP rs2471792166, ClinGen allele CA2580070443.
Genomic context (GRCh38, chr3:78,627,317, plus strand): 5'-GTAACTTCCACTGAGGAGTAGAAATTATCTGATTTGTTAGCAAAGAAGGCTAGTGACAAC[AT>GG]ACCTCCTGTCGGGCTGGTGCTGCATGTGGCCAGTCTCCTCTGGACAATCCTGTAACATGG-3'

ClinVar aggregate classification (germline): Uncertain significance (1 of 4 stars; one submission).

Submission:

Labcorp Genetics (formerly Invitae), Labcorp
Classification: Uncertain significance. Last evaluated: 2024-10-22. Review status: criteria provided, single submitter. Criteria: Invitae Variant Classification Sherloc (09022015). Collection method: clinical testing. Allele origin: germline.
Comment: This sequence change falls in intron 26 of the ROBO1 gene. It does not directly change the encoded amino acid sequence of the ROBO1 protein. It affects a nucleotide within the consensus splice site. Information on the frequency of this variant in the gnomAD database is not available, as this variant may be reported differently in the database. This variant has not been reported in the literature in individuals affected with ROBO1-related conditions. ClinVar contains an entry for this variant (Variation ID: 2017657). Variants that disrupt the consensus splice site are a relatively common cause of aberrant splicing (PMID: 17576681, 9536098). Experimental studies and prediction algorithms are not available or were not evaluated, and the effect of this variant on mRNA splicing is currently unknown. In summary, the available evidence is currently insufficient to determine the role of this variant in disease. Therefore, it has been classified as a Variant of Uncertain Significance.

Literature cited by the submitters: PubMed 17576681; PubMed 9536098.